The following is an entry in ClinVar:

NC_000017.10:g.(?_59858191)_(59858864_?)del

Gene: BRIP1 (BRCA1 interacting DNA helicase 1; minus strand). Cytogenetic location: 17q23.2.
Variant type: Deletion.
Identifiers: ClinVar variation 1427578 (VCV001427578.7).

ClinVar aggregate classification (germline): Pathogenic (1 of 4 stars; one submission).

Conditions:
Familial cancer of breast. Also called: BREAST CANCER, FAMILIAL; hereditary breast carcinoma; Hereditary breast cancer. Identifiers: Orphanet 227535, MedGen C0346153, MONDO:0016419, OMIM 114480. Disease mechanism: loss of function.
Fanconi anemia complementation group J. Also called: BRIP1-Related Fanconi Anemia. Identifiers: Orphanet 84, MedGen C1836860, MONDO:0012187, OMIM 609054.

Submission:

Labcorp Genetics (formerly Invitae), Labcorp
Classification: Pathogenic for Familial cancer of breast; Fanconi anemia complementation group J. Last evaluated: 2021-03-29. Review status: criteria provided, single submitter. Criteria: Invitae Variant Classification Sherloc (09022015). Collection method: clinical testing. Allele origin: germline.
Comment: For these reasons, this variant has been classified as Pathogenic. This variant has not been reported in the literature in individuals with BRIP1-related conditions. This variant is a gross deletion of the genomic region encompassing exon(s) 12 of the BRIP1 gene. This deletion is out-of-frame, and is expected to create a premature translational stop signal and result in an absent or disrupted protein product. Loss-of-function variants in BRIP1 are known to be pathogenic (PMID: 16116423, 17033622, 21964575).

Literature cited by the submitters: PubMed 16116423; PubMed 17033622; PubMed 21964575.